The following is an entry in ClinVar:

ClinVar aggregate classification (germline): Likely benign (1 of 4 stars; one submission).

Submission:

CeGaT Center for Human Genetics Tuebingen
Classification: Likely benign. Last evaluated: 2025-12-01. Review status: criteria provided, single submitter. Criteria: CeGaT Center For Human Genetics Tuebingen Variant Classification Criteria Version 2. Collection method: clinical testing. Allele origin: germline. Affected: yes. Observed: 1 variant allele.
Comment: LMBR1: PM2:Supporting, BP4, BP7

NM_022458.4(LMBR1):c.729G>A (p.Glu243=)

Gene: LMBR1 (limb development membrane protein 1; minus strand). Cytogenetic location: 7q36.3.
Variant type: single nucleotide variant.
Coding change: c.729G>A on transcript NM_022458.4 (MANE Select); coding-DNA position 729, G replaced by A.
Protein change: p.Glu243=; no amino-acid change (glutamic acid 243 retained).
Molecular consequence: synonymous variant. On other transcripts: non-coding transcript variant (2).
Genome position (GRCh38, 1-based): chr7:156,756,421, C>T on the plus strand (G>A on the coding strand, the complement: LMBR1 is on the minus strand). VCF-style: chr7-156756421-C-T. GRCh37 (hg19) VCF-style: chr7-156549115-C-T.
Other names: c.729G>A, p.Glu243= (NM_001350953.2, NM_001363409.2, NM_001363410.2); c.450G>A, p.Glu150= (NM_001350954.2); c.273G>A, p.Glu91= (NM_001350955.2, NM_001350956.2, NM_001350958.2 and 1 more transcripts); c.360G>A, p.Glu120= (NM_001350957.2, NM_001363411.2); c.666G>A, p.Glu222= (NM_001363412.2).
Identifiers: ClinVar variation 4682030 (VCV004682030.5).
Genomic context (GRCh38, chr7:156,756,421, plus strand): 5'-TATCCCCGTCTAAATATGTAATATAAACATACCATTTAGTCGTCTCTGGAGTGCTTCTTC[C>T]TCTAAGGTAATGATATAAATTTGTTCATCCAGGTCTTCAAGAATCTAAATTTAAAGATAA-3'
Protein context (NP_071903.2, residues 233-253): LDEQIYIITL[Glu243=]EEALQRRLNG